The following is an entry in ClinVar:

NM_001378477.3(NYX):c.1315G>T (p.Asp439Tyr)

Gene: NYX (nyctalopin; plus strand). Cytogenetic location: Xp11.4.
Variant type: single nucleotide variant.
Coding change: c.1315G>T on transcript NM_001378477.3 (MANE Select); coding-DNA position 1315, G replaced by T.
Protein change: p.Asp439Tyr; replaces aspartic acid 439 with tyrosine.
Molecular consequence: missense variant.
Genome position (GRCh38, 1-based): chrX:41,474,783, G>T. VCF-style: chrX-41474783-G-T. GRCh37 (hg19) VCF-style: chrX-41334036-G-T.
Other names: c.1315G>T, p.Asp439Tyr (NM_022567.3); short protein forms D439Y.
Identifiers: ClinVar variation 4978173 (VCV004978173.1).

ClinVar aggregate classification (germline): Uncertain significance (1 of 4 stars; one submission).

Conditions:
NYX-related disorder. Also called: NYX-related condition.

gnomAD v4.1: 17 of 1,198,072 alleles (0.0014%); highest among the groups gnomAD compares: Non-Finnish European, 0.0019%; no homozygotes.

Submission:

PreventionGenetics, part of Exact Sciences
Classification: Uncertain significance for NYX-related condition. Last evaluated: 2025-09-05. Review status: criteria provided, single submitter. Criteria: ACMG Guidelines, 2015. Collection method: clinical testing. Allele origin: germline.
Comment: The NYX c.1330G>T variant is predicted to result in the amino acid substitution p.Asp444Tyr. To our knowledge, this variant has not been reported in the literature. This variant is reported in 0.0032% of alleles in individuals of European (Non-Finnish) descent in gnomAD. At this time, the clinical significance of this variant is uncertain due to the absence of conclusive functional and genetic evidence.